The following is an entry in ClinVar:

NM_000094.4(COL7A1):c.4668+1G>C

Gene: COL7A1 (collagen type VII alpha 1 chain; minus strand). Cytogenetic location: 3p21.31.
Variant type: single nucleotide variant.
Coding change: c.4668+1G>C on transcript NM_000094.4 (MANE Select); the canonical splice donor site of the intron after coding-DNA position 4668, G replaced by C.
Molecular consequence: splice donor variant.
Genome position (GRCh38, 1-based): chr3:48,581,910, C>G on the plus strand (G>C on the coding strand, the complement: COL7A1 is on the minus strand). VCF-style: chr3-48581910-C-G. GRCh37 (hg19) VCF-style: chr3-48619343-C-G.
Identifiers: ClinVar variation 2780022 (VCV002780022.3), dbSNP rs1317431984, ClinGen allele CA352686256.

ClinVar aggregate classification (germline): Likely pathogenic (1 of 4 stars; one submission).

Submission:

Labcorp Genetics (formerly Invitae), Labcorp
Classification: Likely pathogenic. Last evaluated: 2023-01-12. Review status: criteria provided, single submitter. Criteria: Invitae Variant Classification Sherloc (09022015). Collection method: clinical testing. Allele origin: germline.
Comment: In summary, the currently available evidence indicates that the variant is pathogenic, but additional data are needed to prove that conclusively. Therefore, this variant has been classified as Likely Pathogenic. Algorithms developed to predict the effect of sequence changes on RNA splicing suggest that this variant may disrupt the consensus splice site. Disruption of this splice site has been observed in individual(s) with autosomal dominant dystrophic epidermolysis bullosa (PMID: 22515571). It has also been observed to segregate with disease in related individuals. This variant is not present in population databases (gnomAD no frequency). This sequence change affects a donor splice site in intron 47 of the COL7A1 gene. It is expected to disrupt splicing. Variants that disrupt the donor or acceptor splice site typically lead to a loss of protein function (PMID: 16199547), and loss-of-function variants in COL7A1 are known to be disease-causing for autosomal recessive dystrophic epidermolysis bullosa (PMID: 16971478). However, certain variants affecting donor or acceptor splice sites in the triple helical domain of COL7A1 are expected to result in in-frame exon skipping and have been reported to cause autosomal dominant dystrophic epidermolysis bullosa (PMID: 31670143).

Literature cited by the submitters: PubMed 22515571; PubMed 16199547; PubMed 16971478; PubMed 31670143.